The following is an entry in ClinVar:

ClinVar aggregate classification (germline): Benign. Review status: criteria provided, multiple submitters, no conflicts (2 of 4 stars). 5 submissions from 5 submitters: Benign (5). Last evaluated 2026-01-25.

Conditions:
Gray platelet syndrome (GPS). Also called: BLEEDING DISORDER, PLATELET-TYPE, 4. Identifiers: Orphanet 721, MedGen C0272302, MONDO:0007686, OMIM 139090.

Allele frequency attached by ClinVar (database versions not stated): gnomAD exomes 0.00109 and 0.00208; ExAC 0.00519; ESP Exome Variant Server 0.00743; gnomAD 0.00854 and 0.00928; 1000 Genomes Project 0.00899; TOPMed 0.00933; 1000 Genomes Project 30x 0.00953.
gnomAD v4.1: 2,874 of 1,573,864 alleles (0.18%); highest among the groups gnomAD compares: African/African-American, 2.9%; 31 homozygotes.

Submissions (5):

Labcorp Genetics (formerly Invitae), Labcorp
Classification: Benign. Last evaluated: 2026-01-25. Review status: criteria provided, single submitter. Criteria: Invitae Variant Classification Sherloc (09022015). Collection method: clinical testing. Allele origin: germline.

Mayo Clinic Laboratories, Mayo Clinic
Classification: Benign. Last evaluated: 2023-10-27. Review status: criteria provided, single submitter. Criteria: ACMG Guidelines, 2015. Collection method: clinical testing. Allele origin: germline. Observed: 4 variant alleles.
Comment: BS1, BS2_moderate, BP4, BP7

Genetic Services Laboratory, University of Chicago
Classification: Benign. Last evaluated: 2019-02-19. Review status: criteria provided, single submitter. Criteria: ACMG Guidelines, 2015. Collection method: clinical testing. Allele origin: germline. Affected: no.

Illumina Laboratory Services, Illumina
Classification: Benign for Gray platelet syndrome. Last evaluated: 2018-01-13. Review status: criteria provided, single submitter. Criteria: ICSL Variant Classification Criteria 13 December 2019. Collection method: clinical testing. Allele origin: germline.
Comment: This variant was observed in the ICSL laboratory as part of a predisposition screen in an ostensibly healthy population. It had not been previously curated by ICSL or reported in the Human Gene Mutation Database (HGMD: prior to June 1st, 2018), and was therefore a candidate for classification through an automated scoring system. Utilizing variant allele frequency, disease prevalence and penetrance estimates, and inheritance mode, an automated score was calculated to assess if this variant is too frequent to cause the disease. Based on the score and internal cut-off values, a variant classified as benign is not then subjected to further curation. The score for this variant resulted in a classification of benign for this disease.

Breakthrough Genomics
Classification: Benign. Review status: criteria provided, single submitter. Criteria: ACMG Guidelines, 2015. Collection method: not provided. Allele origin: germline. Inheritance: Autosomal recessive inheritance. Affected: yes.

NM_015175.3(NBEAL2):c.1380G>A (p.Pro460=)

Gene: NBEAL2 (neurobeachin like 2; plus strand). Cytogenetic location: 3p21.31.
Variant type: single nucleotide variant.
Coding change: c.1380G>A on transcript NM_015175.3 (MANE Select); coding-DNA position 1380, G replaced by A.
Protein change: p.Pro460=; no amino-acid change (proline 460 retained).
Molecular consequence: synonymous variant.
Genome position (GRCh38, 1-based): chr3:46,995,115, G>A. VCF-style: chr3-46995115-G-A. GRCh37 (hg19) VCF-style: chr3-47036605-G-A.
Other names: p.Pro460=; c.1278G>A, p.Pro426= (NM_001365116.2).
Identifiers: ClinVar variation 345625 (VCV000345625.15), dbSNP rs114363730, ClinGen allele CA2360379.